The following is an entry in ClinVar:

ClinVar aggregate classification (germline): Conflicting classifications of pathogenicity. Review status: criteria provided, conflicting classifications (1 of 4 stars). 3 submissions from 3 submitters: Uncertain significance (2); Likely benign (1). Last evaluated 2026-01-19.

Conditions:
COL7A1-related disorder. Also called: COL7A1- related disorders; COL7A1-related condition.

Allele frequency attached by ClinVar (database versions not stated): 1000 Genomes Project 0.00060; 1000 Genomes Project 30x 0.00062; gnomAD exomes 0.00001; ExAC 0.00003; TOPMed 0.00005; gnomAD 0.00008.

Submissions (3):

Labcorp Genetics (formerly Invitae), Labcorp
Classification: Likely benign. Last evaluated: 2026-01-19. Review status: criteria provided, single submitter. Criteria: Invitae Variant Classification Sherloc (09022015). Collection method: clinical testing. Allele origin: germline.

PreventionGenetics, part of Exact Sciences
Classification: Uncertain significance for COL7A1-related condition. Last evaluated: 2025-08-21. Review status: criteria provided, single submitter. Criteria: ACMG Guidelines, 2015. Collection method: clinical testing. Allele origin: germline.
Comment: The COL7A1 c.1612C>T variant is predicted to result in the amino acid substitution p.Arg538Cys. To our knowledge, this variant has not been reported in the literature. This variant is reported in 0.035% of alleles in individuals of East Asian descent in gnomAD. At this time, the clinical significance of this variant is uncertain due to the absence of conclusive functional and genetic evidence.

Women's Health and Genetics/Laboratory Corporation of America, LabCorp
Classification: Uncertain significance. Last evaluated: 2023-02-15. Review status: criteria provided, single submitter. Criteria: LabCorp Variant Classification Summary - May 2015. Collection method: clinical testing. Allele origin: germline.
Comment: Variant summary: COL7A1 c.1612C>T (p.Arg538Cys) results in a non-conservative amino acid change located in the fibronectin type III domain (IPR003961) of the encoded protein sequence. Four of five in-silico tools predict a damaging effect of the variant on protein function. The variant allele was found at a frequency of 3.6e-05 in 251162 control chromosomes (gnomAD). The available data on variant occurrences in the general population are insufficient to allow any conclusion about variant significance. To our knowledge, no occurrence of c.1612C>T in individuals affected with Dystrophic Epidermolysis Bullosa and no experimental evidence demonstrating its impact on protein function have been reported. One clinical diagnostic laboratory has submitted a clinical-significance assessment for this variant to ClinVar after 2014 without evidence for independent evaluation and classified the variant as likely benign. Based on the evidence outlined above, the variant was classified as uncertain significance.

NM_000094.4(COL7A1):c.1612C>T (p.Arg538Cys)

Gene: COL7A1 (collagen type VII alpha 1 chain; minus strand). Cytogenetic location: 3p21.31.
Variant type: single nucleotide variant.
Coding change: c.1612C>T on transcript NM_000094.4 (MANE Select); coding-DNA position 1612, C replaced by T.
Protein change: p.Arg538Cys; replaces arginine 538 with cysteine.
Molecular consequence: missense variant.
Genome position (GRCh38, 1-based): chr3:48,591,488, G>A on the plus strand (C>T on the coding strand, the complement: COL7A1 is on the minus strand). VCF-style: chr3-48591488-G-A. GRCh37 (hg19) VCF-style: chr3-48628921-G-A.
Other names: short protein forms R538C.
Identifiers: ClinVar variation 2058453 (VCV002058453.6), dbSNP rs184692105, ClinGen allele CA2381171.